The following is an entry in ClinVar:

ClinVar aggregate classification (germline): Uncertain significance (1 of 4 stars; one submission).

Conditions:
Cardiovascular phenotype. Identifiers: MedGen CN230736.

Allele frequency attached by ClinVar (database versions not stated): gnomAD exomes below 0.00001.
gnomAD v4.1: 4 of 1,549,824 alleles (0.00026%); highest among the groups gnomAD compares: African/African-American, 0.0014%; no homozygotes.

Submission:

Ambry Genetics
Classification: Uncertain significance for Cardiovascular phenotype. Last evaluated: 2023-12-22. Review status: criteria provided, single submitter. Criteria: Ambry Variant Classification Scheme 2023. Collection method: clinical testing. Allele origin: germline.
Comment: The p.Q403R variant (also known as c.1208A>G), located in coding exon 1 of the ZNF469 gene, results from an A to G substitution at nucleotide position 1208. The glutamine at codon 403 is replaced by arginine, an amino acid with highly similar properties. This amino acid position is conserved. In addition, this alteration is predicted to be tolerated by in silico analysis. Since supporting evidence is limited at this time, the clinical significance of this alteration remains unclear.

NM_001367624.2(ZNF469):c.1208A>G (p.Gln403Arg)

Gene: ZNF469 (zinc finger protein 469; plus strand). Cytogenetic location: 16q24.2.
Variant type: single nucleotide variant.
Coding change: c.1208A>G on transcript NM_001367624.2 (MANE Select); coding-DNA position 1208, A replaced by G.
Protein change: p.Gln403Arg; replaces glutamine 403 with arginine.
Molecular consequence: missense variant.
Genome position (GRCh38, 1-based): chr16:88,428,678, A>G. VCF-style: chr16-88428678-A-G. GRCh37 (hg19) VCF-style: chr16-88495086-A-G.
Other names: NM_001127464.1:c.1208A>G; short protein forms Q403R.
Identifiers: ClinVar variation 3232756 (VCV003232756.1), dbSNP rs560397272, ClinGen allele CA286372508.